The following is an entry in ClinVar:

NM_001376.5(DYNC1H1):c.12532C>T (p.Arg4178Cys)

Gene: DYNC1H1 (dynein cytoplasmic 1 heavy chain 1; plus strand). Cytogenetic location: 14q32.31.
Variant type: single nucleotide variant.
Coding change: c.12532C>T on transcript NM_001376.5 (MANE Select); coding-DNA position 12532, C replaced by T.
Protein change: p.Arg4178Cys; replaces arginine 4178 with cysteine.
Molecular consequence: missense variant.
Genome position (GRCh38, 1-based): chr14:102,043,893, C>T. VCF-style: chr14-102043893-C-T. GRCh37 (hg19) VCF-style: chr14-102510230-C-T.
Other names: short protein forms R4178C.
Identifiers: ClinVar variation 1163085 (VCV001163085.7), dbSNP rs2048683016, ClinGen allele CA391041960.

ClinVar aggregate classification (germline): Uncertain significance. Review status: criteria provided, multiple submitters, no conflicts (2 of 4 stars). 2 submissions from 2 submitters: Uncertain significance (2). Last evaluated 2024-04-30.

Conditions:
Charcot-Marie-Tooth disease axonal type 2O. Also called: Charcot-Marie-Tooth Neuropathy Type 2O; Charcot-Marie-Tooth disease, axonal, type 20; CHARCOT-MARIE-TOOTH NEUROPATHY, AXONAL, TYPE 2O; CHARCOT-MARIE-TOOTH DISEASE, AXONAL, AUTOSOMAL DOMINANT, TYPE 2O. Identifiers: Orphanet 284232, MedGen C3280220, MONDO:0013644, OMIM 614228.

Allele frequency attached by ClinVar (database versions not stated): gnomAD exomes below 0.00001; gnomAD 0.00001.
gnomAD v4.1: 3 of 1,614,074 alleles (0.00019%); highest among the groups gnomAD compares: African/African-American, 0.0013%; no homozygotes.

Submissions (2):

Labcorp Genetics (formerly Invitae), Labcorp
Classification: Uncertain significance for Charcot-Marie-Tooth disease axonal type 2O. Last evaluated: 2024-04-30. Review status: criteria provided, single submitter. Criteria: Invitae Variant Classification Sherloc (09022015). Collection method: clinical testing. Allele origin: germline.
Comment: This sequence change replaces arginine, which is basic and polar, with cysteine, which is neutral and slightly polar, at codon 4178 of the DYNC1H1 protein (p.Arg4178Cys). This variant is not present in population databases (gnomAD no frequency). This variant has not been reported in the literature in individuals affected with DYNC1H1-related conditions. ClinVar contains an entry for this variant (Variation ID: 1163085). Advanced modeling of protein sequence and biophysical properties (such as structural, functional, and spatial information, amino acid conservation, physicochemical variation, residue mobility, and thermodynamic stability) has been performed at Invitae for this missense variant, however the output from this modeling did not meet the statistical confidence thresholds required to predict the impact of this variant on DYNC1H1 protein function. In summary, the available evidence is currently insufficient to determine the role of this variant in disease. Therefore, it has been classified as a Variant of Uncertain Significance.

Mayo Clinic Laboratories, Mayo Clinic
Classification: Uncertain significance. Last evaluated: 2019-08-26. Review status: criteria provided, single submitter. Criteria: ACMG Guidelines, 2015. Collection method: clinical testing. Allele origin: germline. Observed: 1 variant allele.